The following is an entry in ClinVar:

ClinVar aggregate classification (germline): Likely pathogenic. Review status: criteria provided, multiple submitters, no conflicts (2 of 4 stars). 5 submissions from 4 submitters: Likely pathogenic (3). 2 of the submissions do not count toward it. Last evaluated 2022-03-17.

Conditions:
Septo-optic dysplasia sequence (SOD). Also called: DE MORSIER SYNDROME; Septo-optic dysplasia. Identifiers: Orphanet 3157, MedGen C0338503, MONDO:0008428, OMIM 182230, HP:0100842.
HESX1-Related Disorders.
Pituitary hormone deficiency, combined, 1 (CPHD1). Also called: Pituitary hormone deficiency, combined or isolated, 1. Identifiers: MedGen C2751608, MONDO:0024464, OMIM 613038.

Allele frequency attached by ClinVar (database versions not stated): TOPMed below 0.00001; ExAC 0.00001; gnomAD exomes 0.00001.

Submissions (5):

Blueprint Genetics
Classification: Likely pathogenic for HESX1-related disorders. Last evaluated: 2022-03-17. Review status: criteria provided, single submitter. Criteria: ACMG Guidelines, 2015. Collection method: clinical testing. Allele origin: germline. Affected: yes. Observed: 2 variant alleles.

CeGaT Center for Human Genetics Tuebingen
Classification: Likely pathogenic. Last evaluated: 2019-07-01. Review status: criteria provided, single submitter. Criteria: CeGaT Center For Human Genetics Tuebingen Variant Classification Criteria Version 2. Collection method: clinical testing. Allele origin: germline. Affected: yes. Observed: 2 variant alleles.

GeneDx
Classification: Likely pathogenic. Last evaluated: 2018-04-20. Review status: criteria provided, single submitter. Criteria: GeneDx Variant Classification (06012015). Collection method: clinical testing. Allele origin: germline. Affected: yes.
Comment: The L103X variant in the HESX1 gene has been reported previously in the heterozygous state in a child with septo-optic dysplasia, however, no clinical information was provided and it is unknown if the variant was associated with autosomal dominant or recessive inheritance (Mueller et al., 2010). This variant is predicted to cause loss of normal protein function either through protein truncation or nonsense-mediated mRNA decay. The L103X variant is not observed at a significant frequency in large population cohorts (Lek et al., 2016). We interpret L103X as a likely pathogenic variant.

Clinical Molecular Genetics Laboratory, Johns Hopkins All Children's Hospital
Classification: Pathogenic for Septo-optic dysplasia sequence. Last evaluated: 2009-06-22. Review status: no assertion criteria provided. Collection method: clinical testing. Allele origin: germline. Affected: yes. Not counted in ClinVar's aggregate classification.

Clinical Molecular Genetics Laboratory, Johns Hopkins All Children's Hospital
Classification: Pathogenic for Pituitary hormone deficiency, combined, 1. Last evaluated: 2009-06-22. Review status: no assertion criteria provided. Collection method: clinical testing. Allele origin: germline. Affected: yes. Not counted in ClinVar's aggregate classification.

NM_003865.3(HESX1):c.308T>A (p.Leu103Ter)

Gene: HESX1 (HESX homeobox 1; minus strand). Cytogenetic location: 3p14.3.
Variant type: single nucleotide variant.
Coding change: c.308T>A on transcript NM_003865.3 (MANE Select); coding-DNA position 308, T replaced by A.
Protein change: p.Leu103Ter; replaces leucine 103 with a stop codon.
Molecular consequence: nonsense.
Genome position (GRCh38, 1-based): chr3:57,198,802, A>T on the plus strand (T>A on the coding strand, the complement: HESX1 is on the minus strand). VCF-style: chr3-57198802-A-T. GRCh37 (hg19) VCF-style: chr3-57232830-A-T.
Other names: short protein forms L103*.
Identifiers: ClinVar variation 492849 (VCV000492849.44), dbSNP rs777223697, ClinGen allele CA2463287.